The following is an entry in ClinVar:

NM_006502.3(POLH):c.*1201C>T

Gene: POLH (DNA polymerase eta; plus strand). Cytogenetic location: 6p21.1.
Variant type: single nucleotide variant.
Coding change: c.*1201C>T on transcript NM_006502.3 (MANE Select); 1201 bases downstream of the stop codon, C replaced by T.
Molecular consequence: 3 prime UTR variant.
Genome position (GRCh38, 1-based): chr6:43,615,758, C>T. VCF-style: chr6-43615758-C-T. GRCh37 (hg19) VCF-style: chr6-43583495-C-T.
Other names: c.*1201C>T (NM_001291969.2); c.*2027C>T (NM_001291970.2).
Identifiers: ClinVar variation 356939 (VCV000356939.7), dbSNP rs9333562, ClinGen allele CA10624010.

ClinVar aggregate classification (germline): Likely benign (1 of 4 stars; one submission).

Conditions:
Xeroderma pigmentosum variant type. Also called: POLH-Related Xeroderma Pigmentosum; PHOTOSENSITIVITY WITH DEFECTIVE DNA SYNTHESIS; XERODERMA PIGMENTOSUM WITH NORMAL DNA REPAIR RATES. Identifiers: Orphanet 90342, MedGen C1848410, MONDO:0010214, OMIM 278750.

Allele frequency attached by ClinVar (database versions not stated): 1000 Genomes Project 0.00319; TOPMed 0.00348; gnomAD 0.00414 and 0.00421; 1000 Genomes Project 30x 0.00468.

Submission:

Illumina Laboratory Services, Illumina
Classification: Likely benign for Xeroderma pigmentosum variant type. Last evaluated: 2018-01-12. Review status: criteria provided, single submitter. Criteria: ICSL Variant Classification Criteria 13 December 2019. Collection method: clinical testing. Allele origin: germline.
Comment: This variant was observed in the ICSL laboratory as part of a predisposition screen in an ostensibly healthy population. It had not been previously curated by ICSL or reported in the Human Gene Mutation Database (HGMD: prior to June 1st, 2018), and was therefore a candidate for classification through an automated scoring system. Utilizing variant allele frequency, disease prevalence and penetrance estimates, and inheritance mode, an automated score was calculated to assess if this variant is too frequent to cause the disease. Based on the score and internal cut-off values, a variant classified as likely benign is not then subjected to further curation. The score for this variant resulted in a classification of likely benign for this disease.